The following is an entry in ClinVar:

NM_000458.4(HNF1B):c.520A>G (p.Arg174Gly)

Gene: HNF1B (HNF1 homeobox B; minus strand). Cytogenetic location: 17q12.
Variant type: single nucleotide variant.
Coding change: c.520A>G on transcript NM_000458.4 (MANE Select); coding-DNA position 520, A replaced by G.
Protein change: p.Arg174Gly; replaces arginine 174 with glycine.
Molecular consequence: missense variant.
Genome position (GRCh38, 1-based): chr17:37,739,464, T>C on the plus strand (A>G on the coding strand, the complement: HNF1B is on the minus strand). VCF-style: chr17-37739464-T-C. GRCh37 (hg19) VCF-style: chr17-36099455-T-C.
Other names: c.520A>G, p.Arg174Gly (NM_001304286.2, NM_001411100.1, NM_001165923.4); short protein forms R174G.
Identifiers: ClinVar variation 1706375 (VCV001706375.2), dbSNP rs2511828168, ClinGen allele CA398751120.
Genomic context (GRCh38, chr17:37,739,464, plus strand): 5'-TTCAGGTTGAGGCAGAGGCAGGATGAAAACACTTACGTCGGAGGATCTCTCGTTGCTTTC[T>C]GACGTACCAGGTGTACAGAGCGGCACGCTTCTGGGTCTTCATAGGGGTGCCCTTGTTGAG-3'
Protein context (NP_000449.1, residues 164-184): KRAALYTWYV[Arg174Gly]KQREILRQFN

ClinVar aggregate classification (germline): Uncertain significance (1 of 4 stars; one submission).

Submission:

GeneDx
Classification: Uncertain significance. Last evaluated: 2022-03-17. Review status: criteria provided, single submitter. Criteria: GeneDx Variant Classification Process June 2021. Collection method: clinical testing. Allele origin: germline. Affected: yes.
Comment: Not observed at significant frequency in large population cohorts (gnomAD); In silico analysis supports that this missense variant has a deleterious effect on protein structure/function; Has not been previously published as pathogenic or benign to our knowledge